The following is an entry in ClinVar:

NM_001111.5(ADAR):c.3107G>C (p.Cys1036Ser)

Gene: ADAR (adenosine deaminase RNA specific; minus strand). Cytogenetic location: 1q21.3.
Variant type: single nucleotide variant.
Coding change: c.3107G>C on transcript NM_001111.5 (MANE Select); coding-DNA position 3107, G replaced by C.
Protein change: p.Cys1036Ser; replaces cysteine 1036 with serine.
Molecular consequence: missense variant.
Genome position (GRCh38, 1-based): chr1:154,586,276, C>G on the plus strand (G>C on the coding strand, the complement: ADAR is on the minus strand). VCF-style: chr1-154586276-C-G. GRCh37 (hg19) VCF-style: chr1-154558752-C-G.
Other names: c.2222G>C, p.Cys741Ser (NM_001025107.3, NM_001193495.2, NM_001365046.1 and 2 more transcripts); c.3134G>C, p.Cys1045Ser (NM_001365045.1); c.2144G>C, p.Cys715Ser (NM_001365049.1); c.3029G>C, p.Cys1010Ser (NM_015840.4); c.2972G>C, p.Cys991Ser (NM_015841.4); short protein forms C1010S, C1036S, C1045S, C715S, C741S, C991S.
Identifiers: ClinVar variation 3759021 (VCV003759021.2).

ClinVar aggregate classification (germline): Uncertain significance (1 of 4 stars; one submission).

Conditions:
Symmetrical dyschromatosis of extremities (DSH). Also called: DYSCHROMATOSIS SYMMETRICA HEREDITARIA 1; RETICULATE ACROPIGMENTATION OF DOHI; SYMMETRIC DYSCHROMATOSIS OF THE EXTREMITIES; Dyschromatosis symmetrica hereditaria. Identifiers: Orphanet 41, MedGen C0406775, MONDO:0007483, OMIM 127400.
Aicardi-Goutieres syndrome 6 (AGS6). Identifiers: Orphanet 51, MedGen C3539013, MONDO:0014007, OMIM 615010.

Submission:

Labcorp Genetics (formerly Invitae), Labcorp
Classification: Uncertain significance for Aicardi-Goutieres syndrome 6; Symmetrical dyschromatosis of extremities. Last evaluated: 2024-06-05. Review status: criteria provided, single submitter. Criteria: Invitae Variant Classification Sherloc (09022015). Collection method: clinical testing. Allele origin: germline.
Comment: This sequence change replaces cysteine, which is neutral and slightly polar, with serine, which is neutral and polar, at codon 1036 of the ADAR protein (p.Cys1036Ser). This variant is not present in population databases (gnomAD no frequency). This missense change has been observed in individual(s) with dyschromatosis symmetrica hereditaria (PMID: 15955093, 29603717). Advanced modeling of protein sequence and biophysical properties (such as structural, functional, and spatial information, amino acid conservation, physicochemical variation, residue mobility, and thermodynamic stability) has been performed at Invitae for this missense variant, however the output from this modeling did not meet the statistical confidence thresholds required to predict the impact of this variant on ADAR protein function. In summary, the available evidence is currently insufficient to determine the role of this variant in disease. Therefore, it has been classified as a Variant of Uncertain Significance.

Literature cited by the submitters: PubMed 15955093; PubMed 29603717.